The following is an entry in ClinVar:

ClinVar aggregate classification (germline): Benign/Likely benign. Review status: criteria provided, multiple submitters, no conflicts (2 of 4 stars). 2 submissions from 2 submitters: Benign (1); Likely benign (1). Last evaluated 2023-01-01.

Allele frequency attached by ClinVar (database versions not stated): 1000 Genomes Project 30x 0.00172; 1000 Genomes Project 0.00200; TOPMed 0.00268; ESP Exome Variant Server 0.00385; gnomAD exomes 0.00388; ExAC 0.00428; gnomAD 0.00433 and 0.00446.
gnomAD v4.1: 7,246 of 1,607,898 alleles (0.45%); highest among the groups gnomAD compares: Non-Finnish European, 0.49%; 34 homozygotes.

Submissions (2):

CeGaT Center for Human Genetics Tuebingen
Classification: Likely benign. Last evaluated: 2023-01-01. Review status: criteria provided, single submitter. Criteria: CeGaT Center For Human Genetics Tuebingen Variant Classification Criteria Version 2. Collection method: clinical testing. Allele origin: germline. Affected: yes. Observed: 1 variant allele.
Comment: SLC29A4: BS2

Labcorp Genetics (formerly Invitae), Labcorp
Classification: Benign. Last evaluated: 2019-12-31. Review status: criteria provided, single submitter. Criteria: Invitae Variant Classification Sherloc (09022015). Collection method: clinical testing. Allele origin: germline.

NM_153247.4(SLC29A4):c.766C>T (p.Arg256Cys)

Gene: SLC29A4 (solute carrier family 29 member 4; plus strand). Cytogenetic location: 7p22.1.
Variant type: single nucleotide variant.
Coding change: c.766C>T on transcript NM_153247.4 (MANE Select); coding-DNA position 766, C replaced by T.
Protein change: p.Arg256Cys; replaces arginine 256 with cysteine.
Molecular consequence: missense variant.
Genome position (GRCh38, 1-based): chr7:5,297,082, C>T. VCF-style: chr7-5297082-C-T. GRCh37 (hg19) VCF-style: chr7-5336713-C-T.
Other names: c.766C>T, p.Arg256Cys (NM_001040661.3); c.724C>T, p.Arg242Cys (NM_001300847.3); short protein forms R242C, R256C.
Identifiers: ClinVar variation 777174 (VCV000777174.28), dbSNP rs144364439, ClinGen allele CA4142585.